The following is an entry in ClinVar:

NM_172351.3(CD46):c.390-60T>C

Gene: CD46 (CD46 molecule; plus strand). Cytogenetic location: 1q32.2.
Variant type: single nucleotide variant.
Coding change: c.390-60T>C on transcript NM_172351.3 (MANE Select); 60 bases into the intron before coding-DNA position 390, T replaced by C.
Molecular consequence: intron variant.
Genome position (GRCh38, 1-based): chr1:207,759,579, T>C. VCF-style: chr1-207759579-T-C. GRCh37 (hg19) VCF-style: chr1-207932924-T-C.
Other names: c.390-60T>C (NM_002389.4, NM_172359.3, NM_153826.4 and 8 more transcripts).
Identifiers: ClinVar variation 4291221 (VCV004291221.2).

ClinVar aggregate classification (germline): Likely benign (1 of 4 stars; one submission).

Conditions:
Atypical hemolytic-uremic syndrome. Identifiers: Orphanet 2134, MedGen C2931788, MONDO:0016244.

Submission:

Genomenon, Inc
Classification: Likely benign for Atypical hemolytic-uremic syndrome. Last evaluated: 2026-09-17. Review status: criteria provided, single submitter. Criteria: Genomenon Sequence Variant Interpretation Standards - Updated. Collection method: curation. Allele origin: germline. Affected: no.
Comment: CD46 c.390-60T>C is an intronic variant located in intron 3. This variant has been reported in the published literature (PMID:36211394). It is absent or not present at a significant frequency in gnomAD. This variant is not predicted to impact splicing. In conclusion, we classify CD46 c.390-60T>C as a likely benign variant.

Literature cited by the submitters: PubMed 36211394.